The following is an entry in ClinVar:

NM_000051.4(ATM):c.3886_3888delinsACA (p.Pro1296Thr)

Gene: ATM (ATM serine/threonine kinase; plus strand). Cytogenetic location: 11q22.3.
Variant type: Indel.
Coding change: c.3886_3888delinsACA on transcript NM_000051.4 (MANE Select); coding-DNA positions 3886 to 3888, CCT replaced by ACA.
Protein change: p.Pro1296Thr; replaces proline 1296 with threonine.
Molecular consequence: missense variant.
Genome position (GRCh38, 1-based): chr11:108,284,366-108,284,368, CCT replaced by ACA. VCF-style: chr11-108284366-CCT-ACA. GRCh37 (hg19) VCF-style: chr11-108155093-CCT-ACA.
Other names: c.3886_3888delinsACA, p.Pro1296Thr (NM_001351834.2); c.3886_3888delCCTinsACA (NM_000051.3); short protein forms P1296T.
Identifiers: ClinVar variation 234118 (VCV000234118.5), dbSNP rs876660859, ClinGen allele CA10579127.

ClinVar aggregate classification (germline): Uncertain significance (1 of 4 stars; one submission).

Conditions:
Hereditary cancer-predisposing syndrome. Also called: Neoplastic Syndromes, Hereditary; Tumor predisposition; Hereditary Cancer Syndrome; Hereditary neoplastic syndrome. Identifiers: Orphanet 140162, MedGen C0027672, MeSH D009386, MONDO:0015356.

Submission:

Ambry Genetics
Classification: Uncertain significance for Hereditary cancer-predisposing syndrome. Last evaluated: 2015-09-21. Review status: criteria provided, single submitter. Criteria: Ambry Variant Classification Scheme 2023. Collection method: clinical testing. Allele origin: germline.
Comment: The c.3886_3888delCCTinsACA variant (also known as p.P1296T), located in coding exon 25 of the ATM gene, results from the deletion and insertion of 3 nucleotides at positions 3886 to 3888 and causes the proline at codon 1296 to be replaced by threonine, an amino acid with highly similar properties. This variant was not reported in population-based cohorts in the following databases: Database of Single Nucleotide Polymorphisms (dbSNP), NHLBI Exome Sequencing Project (ESP) and 1000 Genomes Project. To date, this alteration has been detected with an allele frequency of approximately 0.002% (greater than 66000 alleles tested) in our clinical cohort. In addition, this alteration is predicted to be probably damaging and deleterious by PolyPhen and SIFT in silico analyses, respectively. Since supporting evidence is limited at this time, the clinical significance of c.3886_3888delCCTinsACA remains unclear.